The following is an entry in ClinVar:

ClinVar aggregate classification (germline): Likely benign. Review status: criteria provided, multiple submitters, no conflicts (2 of 4 stars). 3 submissions from 3 submitters: Likely benign (3). Last evaluated 2025-08-22.

Conditions:
TULP1-related disorder. Also called: TULP1-related condition; TULP1-related disorders.

Allele frequency attached by ClinVar (database versions not stated): gnomAD 0.00007; 1000 Genomes Project 30x 0.00016; 1000 Genomes Project 0.00020.

Submissions (3):

PreventionGenetics, part of Exact Sciences
Classification: Likely benign for TULP1-related condition. Last evaluated: 2025-08-22. Review status: criteria provided, single submitter. Criteria: ACMG Guidelines, 2015. Collection method: clinical testing. Allele origin: germline.
Comment: This variant is classified as likely benign based on ACMG/AMP sequence variant interpretation guidelines (Richards et al. 2015 PMID: 25741868, with internal and published modifications).

Labcorp Genetics (formerly Invitae), Labcorp
Classification: Likely benign. Last evaluated: 2023-09-24. Review status: criteria provided, single submitter. Criteria: Invitae Variant Classification Sherloc (09022015). Collection method: clinical testing. Allele origin: germline.

Blueprint Genetics
Classification: Likely benign. Last evaluated: 2022-09-05. Review status: criteria provided, single submitter. Criteria: ACMG Guidelines, 2015. Collection method: clinical testing. Allele origin: germline.

NM_003322.6(TULP1):c.1248T>C (p.Arg416=)

Gene: TULP1 (TUB like protein 1; minus strand). Cytogenetic location: 6p21.31.
Variant type: single nucleotide variant.
Coding change: c.1248T>C on transcript NM_003322.6 (MANE Select); coding-DNA position 1248, T replaced by C.
Protein change: p.Arg416=; no amino-acid change (arginine 416 retained).
Molecular consequence: synonymous variant.
Genome position (GRCh38, 1-based): chr6:35,503,634, A>G on the plus strand (T>C on the coding strand, the complement: TULP1 is on the minus strand). VCF-style: chr6-35503634-A-G. GRCh37 (hg19) VCF-style: chr6-35471411-A-G.
Other names: c.1248T>C (NM_003322.5); c.1089T>C, p.Arg363= (NM_001289395.2).
Identifiers: ClinVar variation 2919105 (VCV002919105.5), dbSNP rs540965177, ClinGen allele CA137281059.